The following is an entry in ClinVar:

NM_000492.4(CFTR):c.358G>A (p.Ala120Thr)

Gene: CFTR (CF transmembrane conductance regulator; plus strand). Cytogenetic location: 7q31.2.
Variant type: single nucleotide variant.
Coding change: c.358G>A on transcript NM_000492.4 (MANE Select); coding-DNA position 358, G replaced by A.
Protein change: p.Ala120Thr; replaces alanine 120 with threonine.
Molecular consequence: missense variant.
Genome position (GRCh38, 1-based): chr7:117,530,983, G>A. VCF-style: chr7-117530983-G-A. GRCh37 (hg19) VCF-style: chr7-117171037-G-A.
Other names: short protein forms A120T.
Identifiers: ClinVar variation 53774 (VCV000053774.80), dbSNP rs201958172, ClinGen allele CA327235.

ClinVar aggregate classification (germline): Conflicting classifications of pathogenicity. Review status: criteria provided, conflicting classifications (1 of 4 stars). 23 submissions from 23 submitters: Pathogenic (2); Likely pathogenic (3); Uncertain significance (15). 3 of the submissions do not count toward it. Last evaluated 2026-07-23.

Conditions:
Respiratory ciliopathies including non-CF bronchiectasis.
CFTR-related disorder (CFTR-RD). Also called: CFTR-related disorders; CFTR-related condition. Identifiers: MedGen C5924204, MONDO:7770004.
Infertility disorder. Also called: Infertility. Identifiers: MedGen C0021359, MeSH D007246, MONDO:0005047, HP:0000789.
Cystic fibrosis (CF). Also called: MUCOVISCIDOSIS. Identifiers: Orphanet 586, MedGen C0010674, MONDO:0009061, OMIM 219700. Disease mechanism: loss of function.
Bronchiectasis with or without elevated sweat chloride 1 (BESC1). Also called: Cystic Fibrosis-Like Syndrome. Identifiers: Orphanet 60033, MedGen C2749757, MONDO:0008887, OMIM 211400.

Allele frequency attached by ClinVar (database versions not stated): gnomAD 0.00005 and 0.00004; TOPMed 0.00005.
gnomAD v4.1: 104 of 1,613,522 alleles (0.0064%); highest among the groups gnomAD compares: South Asian, 0.032%; 1 homozygote.

Submissions 1 to 8 of 23:

PreventionGenetics, part of Exact Sciences
Classification: Uncertain significance for CFTR-related condition. Last evaluated: 2026-07-23. Review status: criteria provided, single submitter. Criteria: ACMG Guidelines, 2015. Collection method: clinical testing. Allele origin: germline.
Comment: The CFTR c.358G>A variant is predicted to result in the amino acid substitution p.Ala120Thr. This variant has been previously reported in two patients with cystic fibrosis; however, it is unclear if a second plausible pathogenic variant was present, and no family or functional studies were performed (Chillon et al. 1994. PubMed ID: 7513293; Radivojevic et al. 2004. PubMed ID: 15727251). It has been reported in the homozygous state in a patient with cystic fibrosis and this same patient was found to be homozygous for MMAA c.455del, resulting in microcephaly (Elmas et al 2020. PubMed ID: 35769956). This variant was also observed in the heterozygous state in a patient with chronic pancreatitis (Table S1, Masson et al. 2013. PubMed ID: 23951356) as well as congenital absence of the vas deferens (Dörk et al. 1997. PubMed ID: 9272157). Additional studies of chronic pancreatitis have reported this variant in unaffected controls (Rosendahl et al. 2012. PubMed ID: 22427236; Steiner et al. 2011. PubMed ID: 21520337). This variant has also been reported in in the CFTR2 Database in more than 5 patients as a variant of varying clinical consequence. In vitro experimental studies suggest this variant impacts protein function, albeit to a lesser extent than expected for a pathogenic variant, and has a quantifiable response to treatment with a CFTR modulator combination (Bihler et al. 2024. PubMed ID: 38388235). This variant is reported in 0.017% of alleles in individuals of European (non-Finnish) descent in gnomAD. At this time, the clinical significance of this variant is uncertain due to the absence of conclusive functional and genetic evidence.

Women's Health and Genetics/Laboratory Corporation of America, LabCorp
Classification: Uncertain significance. Last evaluated: 2026-01-26. Review status: criteria provided, single submitter. Criteria: LabCorp Variant Classification Summary - May 2015. Collection method: clinical testing. Allele origin: germline.
Comment: Variant summary: CFTR c.358G>A (p.Ala120Thr) results in a non-conservative amino acid change located in the ABC transporter type 1, transmembrane domain (IPR011527) of the encoded protein sequence. Algorithms developed to predict the effect of missense changes on protein structure and function all suggest that this variant is likely to be disruptive. The variant allele was found at a frequency of 0.00015 in 256054 control chromosomes. This frequency is not significantly higher than estimated for disease-causing variants in CFTR, allowing no conclusion about variant significance. c.358G>A has been reported in the literature in heterozygous or presumed compound heterozygous state in several individuals affected with Non-Classic Cystic Fibrosis (example, Chillon_1994, Kanavakis_2003, Radivojevic_2004), as well as CBAVD, asthma, ICP, and lung disease patients, though full genotype information and sweat test results were often not reported or normal, making interpretation difficult. A few studies reported the variant in compound heterozygosity with a known pathogenic variant (p.F508del) in individuals with intermediate or abnormal sweat chloride test values, with at least one of them affected with pancreatic insufficiency and another one affected with recurrent pneumonia (example, De Wachter_2017, Sasihuiseyinoglu_2019, Munck_2020). These data do not allow any conclusion about variant significance. At least one publication reports experimental evidence evaluating an impact on protein function. The most pronounced variant effect resulted in approximately 46.73% of normal chloride channel conductance relative to wild type (example, Bihler_2024). The following publications have been ascertained in the context of this evaluation (PMID: 31488014, 38388235, 21198395, 9439669, 7513293, 7517264, 28830496, 9272157, 15537723, 12752573, 10439967, 23951356, 31916691, 11883825, 15727251, 22427236, 31990467, 21520337, 17489851, 11354633, 19318035). ClinVar contains an entry for this variant (Variation ID: 53774). Based on the evidence outlined above, the variant was classified as VUS-possibly pathogenic.

Dasa
Classification: Uncertain significance. Last evaluated: 2025-12-10. Review status: criteria provided, single submitter. Criteria: DASA Assertion Criteria. Collection method: clinical testing. Allele origin: germline.
Comment: NM_000492.4(CFTR):c.358G>A (p.Ala120Thr) is a missense variant that results in the substitution of alanine with threonine. This variant has been recurrently observed in individuals with CFTR-related disorders (PMID: 31990467; PMID: 15537723; PMID: 15727251; PMID: 12752573; PMID: 7517264). Also, this variant is rare in population databases. Computational prediction algorithms are consistent with a deleterious effect. The currently available literature and clinical evidence are not sufficient to establish a definitive association between this variant and the reported condition. Therefore, this variant is classified as a variant of uncertain significance.

Quest Diagnostics Nichols Institute San Juan Capistrano
Classification: Uncertain significance. Last evaluated: 2025-10-22. Review status: criteria provided, single submitter. Criteria: Quest Diagnostics criteria. Collection method: clinical testing. Allele origin: unknown.
Comment: The CFTR c.358G>A (p.Ala120Thr) variant has been reported in the published literature with varying clinical consequences in individuals with cystic fibrosis (PMIDs: 31916691 (2020), 31990467 (2019), 15537723 (2004), 15727251 (2004), 12752573 (2003), 10439967 (1999), 7517264 (1994), see also CFTR2), and without cystic fibrosis (PMIDs: 22427236 (2013), 21520337 (2011), 17489851 (2007), 11883825 (2002), see also CFTR-France). Additionally, this variant has been reported in individuals with pancreatic insufficiency (PMID: 28830496 (2017), see also CFTR-France), idiopathic chronic pancreatitis (PMID: 23951356 (2013)), and congenital absence of the vas deferens (CBAVD) (PMID: 9272157 (1997)). These various clinical consequences may be consistent with the results of experimental studies examining the chloride conductance activity of this CFTR variant. This variant was observed to have activity 47%-61% of the wild-type at baseline, but improved with pharmaceutical modulators (PMID: 38388235 (2024), see also CFTR2). The frequency of this variant in the general population (Genome Aggregation Database) is uninformative in the assessment of its pathogenicity. Based on the available information, we are unable to determine the clinical significance of this variant.

GeneDx
Classification: Uncertain significance. Last evaluated: 2025-09-24. Review status: criteria provided, single submitter. Criteria: GeneDx Variant Classification Process June 2021. Collection method: clinical testing. Allele origin: germline. Affected: yes.
Comment: Classified as a variant of varying clinical consequence in a well-curated database (CFTR2); In silico analysis suggests that this missense variant does not alter protein structure/function; This variant is associated with the following publications: (PMID: 9272157, 15537723, 11354633, 23951356, 27449771, 19318035, 21520337, 22427236, 9439669, 12752573, 7517264, 21198395, 7513293, 15727251, 23523379, 7532150, 17489851, 11883825, 34426522, 31488014, 33572515, 34405919, 33988008, 34996830, 31990467, 31916691, 34525262, 37313453, 35769956, 18687795, 10439967, 28830496, 36409970, 38388235, 39669589, 37823318)

Natera, Inc.
Classification: Likely pathogenic for CFTR-related disorders. Last evaluated: 2025-08-04. Review status: criteria provided, single submitter. Criteria: Natera Variant Classification Schema (03/2026). Collection method: clinical testing. Allele origin: germline.
Comment: The c.358G>A variant in CFTR is a missense variant predicted to cause substitution of alanine to threonine at amino acid 120. This variant is rare in the general population with a frequency below the threshold expected for the associated phenotype(s). This variant has been observed in one or more individuals affected with the associated recessive disease, as either homozygous or compound heterozygous with a second variant (PMID: 31916691, 31990467, 28830496, 11883825). This variant has been identified in one or more affected individuals with a phenotype highly consistent with the associated gene (PMID: 31990467). Computational prediction algorithms indicate this variant is likely to affect gene or protein function. Given the available evidence, this variant is classified as Likely Pathogenic.

NHS Central & South Genomic Laboratory Hub
Classification: Pathogenic for Respiratory ciliopathies including non-CF bronchiectasis. Last evaluated: 2025-07-01. Review status: criteria provided, single submitter. Criteria: ACMG Guidelines, 2015. Collection method: clinical testing. Allele origin: germline. Affected: yes.

Blueprint Genetics
Classification: Uncertain significance. Last evaluated: 2024-10-23. Review status: criteria provided, single submitter. Criteria: ACMG Guidelines, 2015. Collection method: clinical testing. Allele origin: germline.